The following is an entry in ClinVar:

ClinVar aggregate classification (germline): Likely benign. Review status: criteria provided, multiple submitters, no conflicts (2 of 4 stars). 3 submissions from 3 submitters: Likely benign (3). Last evaluated 2025-09-29.

Conditions:
Meckel-Gruber syndrome. Also called: Dysencephalia splachnocystica; DYSENCEPHALIA SPLANCHNOCYSTICA; GRUBER SYNDROME. Identifiers: Orphanet 564, MedGen C0265215, MONDO:0018921.
Joubert syndrome. Also called: JOUBERT-BOLTSHAUSER SYNDROME; Familial aplasia of the vermis. Identifiers: Orphanet 475, MedGen C5979921, MONDO:0018772.

Allele frequency attached by ClinVar (database versions not stated): gnomAD 0.00001; TOPMed 0.00001.
gnomAD v4.1: 22 of 1,575,088 alleles (0.0014%); highest among the groups gnomAD compares: Admixed American, 0.0018%; no homozygotes.

Submissions (3):

Labcorp Genetics (formerly Invitae), Labcorp
Classification: Likely benign for Joubert syndrome; Meckel-Gruber syndrome. Last evaluated: 2025-09-29. Review status: criteria provided, single submitter. Criteria: Invitae Variant Classification Sherloc (09022015). Collection method: clinical testing. Allele origin: germline.

Blueprint Genetics
Classification: Likely benign. Last evaluated: 2022-10-17. Review status: criteria provided, single submitter. Criteria: ACMG Guidelines, 2015. Collection method: clinical testing. Allele origin: germline.

GeneDx
Classification: Likely benign. Last evaluated: 2016-05-17. Review status: criteria provided, single submitter. Criteria: GeneDx Variant Classification (06012015). Collection method: clinical testing. Allele origin: germline. Affected: yes.
Comment: This variant is considered likely benign or benign based on one or more of the following criteria: it is a conservative change, it occurs at a poorly conserved position in the protein, it is predicted to be benign by multiple in silico algorithms, and/or has population frequency not consistent with disease.

NM_001378615.1(CC2D2A):c.2829+9C>T

Genes: FBXL5 (F-box and leucine rich repeat protein 5; minus strand), CC2D2A (coiled-coil and C2 domain containing 2A; plus strand). Cytogenetic location: 4p15.32.
Variant type: single nucleotide variant.
Coding change: c.2829+9C>T on transcript NM_001378615.1 (MANE Select); 9 bases into the intron after coding-DNA position 2829, C replaced by T.
Molecular consequence: intron variant.
Genome position (GRCh38, 1-based): chr4:15,557,516, C>T. VCF-style: chr4-15557516-C-T. GRCh37 (hg19) VCF-style: chr4-15559139-C-T.
Other names: c.2829+9C>T (NM_001080522.2); c.2682+9C>T (NM_001378617.1).
Identifiers: ClinVar variation 386179 (VCV000386179.14), dbSNP rs1009676697, ClinGen allele CA16604708.